The following is an entry in ClinVar:

ClinVar aggregate classification (germline): Uncertain significance. Review status: criteria provided, multiple submitters, no conflicts (2 of 4 stars). 2 submissions from 2 submitters: Uncertain significance (2). Last evaluated 2025-05-12.

Conditions:
Gorlin syndrome. Also called: Basal cell nevus syndrome; Nevoid Basal Cell Carcinoma Syndrome. Identifiers: Orphanet 377, MedGen C0004779, MONDO:0007187.
Hereditary cancer-predisposing syndrome. Also called: Neoplastic Syndromes, Hereditary; Hereditary neoplastic syndrome; Hereditary Cancer Syndrome; Tumor predisposition. Identifiers: Orphanet 140162, MedGen C0027672, MeSH D009386, MONDO:0015356.

Submissions (2):

Labcorp Genetics (formerly Invitae), Labcorp
Classification: Uncertain significance for Gorlin syndrome. Last evaluated: 2025-05-12. Review status: criteria provided, single submitter. Criteria: Invitae Variant Classification Sherloc (09022015). Collection method: clinical testing. Allele origin: germline.
Comment: This sequence change replaces methionine, which is neutral and non-polar, with isoleucine, which is neutral and non-polar, at codon 833 of the PTCH1 protein (p.Met833Ile). This variant is not present in population databases (gnomAD no frequency). This variant has not been reported in the literature in individuals affected with PTCH1-related conditions. ClinVar contains an entry for this variant (Variation ID: 999925). Invitae Evidence Modeling of protein sequence and biophysical properties (such as structural, functional, and spatial information, amino acid conservation, physicochemical variation, residue mobility, and thermodynamic stability) indicates that this missense variant is not expected to disrupt PTCH1 protein function with a negative predictive value of 95%. In summary, the available evidence is currently insufficient to determine the role of this variant in disease. Therefore, it has been classified as a Variant of Uncertain Significance.

Ambry Genetics
Classification: Uncertain significance for Hereditary cancer-predisposing syndrome. Last evaluated: 2024-05-16. Review status: criteria provided, single submitter. Criteria: Ambry Variant Classification Scheme 2023. Collection method: clinical testing. Allele origin: germline.
Comment: The p.M833I variant (also known as c.2499G>A), located in coding exon 15 of the PTCH1 gene, results from a G to A substitution at nucleotide position 2499. The methionine at codon 833 is replaced by isoleucine, an amino acid with highly similar properties. This amino acid position is conserved. In addition, this alteration is predicted to be tolerated by in silico analysis. Based on the available evidence, the clinical significance of this variant remains unclear.

NM_000264.5(PTCH1):c.2499G>A (p.Met833Ile)

Genes: PTCH1 (patched 1; minus strand), LOC100507346 (uncharacterized LOC100507346; plus strand). Cytogenetic location: 9q22.32.
Variant type: single nucleotide variant.
Coding change: c.2499G>A on transcript NM_000264.5 (MANE Select); coding-DNA position 2499, G replaced by A.
Protein change: p.Met833Ile; replaces methionine 833 with isoleucine.
Molecular consequence: missense variant. On other transcripts: non-coding transcript variant (2).
Genome position (GRCh38, 1-based): chr9:95,467,177, C>T on the plus strand (G>A on the coding strand, the complement: PTCH1 is on the minus strand). VCF-style: chr9-95467177-C-T. GRCh37 (hg19) VCF-style: chr9-98229459-C-T.
Other names: c.2499G>A (NM_000264.3); c.2301G>A, p.Met767Ile (NM_001083602.3); c.2496G>A, p.Met832Ile (NM_001083603.3); c.2046G>A, p.Met682Ile (NM_001083604.3, NM_001083605.3, NM_001083606.3 and 1 more transcripts); c.2343G>A, p.Met781Ile (NM_001354918.2); short protein forms M682I, M767I, M781I, M832I, M833I.
Identifiers: ClinVar variation 999925 (VCV000999925.10), dbSNP rs1840081126, ClinGen allele CA374113913.